The following is an entry in ClinVar:

ClinVar aggregate classification (germline): Benign/Likely benign. Review status: criteria provided, multiple submitters, no conflicts (2 of 4 stars). 5 submissions from 5 submitters: Benign (1); Likely benign (4). Last evaluated 2026-02-02.

Conditions:
Hereditary nonpolyposis colorectal neoplasms. Identifiers: MedGen C0009405, MeSH D003123.
Lynch syndrome 5 (LYNCH5). Also called: Hereditary non-polyposis colorectal cancer, type 5; Colorectal cancer, hereditary nonpolyposis, type 5. Identifiers: Orphanet 144, MedGen C1833477, MONDO:0013710, OMIM 614350. Disease mechanism: loss of function.
Hereditary cancer-predisposing syndrome. Also called: Hereditary Cancer Syndrome; Hereditary neoplastic syndrome; Neoplastic Syndromes, Hereditary; Tumor predisposition. Identifiers: Orphanet 140162, MedGen C0027672, MeSH D009386, MONDO:0015356.

Allele frequency attached by ClinVar (database versions not stated): gnomAD exomes below 0.00001; gnomAD 0.00001; TOPMed 0.00001.
gnomAD v4.1: 2 of 1,614,060 alleles (0.00012%); highest among the groups gnomAD compares: African/African-American, 0.0013%; no homozygotes.

Submissions (5):

Labcorp Genetics (formerly Invitae), Labcorp
Classification: Likely benign for Hereditary nonpolyposis colorectal neoplasms. Last evaluated: 2026-02-02. Review status: criteria provided, single submitter. Criteria: Invitae Variant Classification Sherloc (09022015). Collection method: clinical testing. Allele origin: germline.

Myriad Genetics, Inc.
Classification: Benign for Lynch syndrome 5. Last evaluated: 2024-12-20. Review status: criteria provided, single submitter. Criteria: Myriad Autosomal Dominant, Autosomal Recessive and X-Linked Classification Criteria (2023). Collection method: clinical testing. Allele origin: unknown.
Comment: This variant is considered benign. This variant is a silent/synonymous amino acid change and it is not expected to impact splicing.

Color Diagnostics, LLC DBA Color Health
Classification: Likely benign for Hereditary cancer-predisposing syndrome. Last evaluated: 2022-11-06. Review status: criteria provided, single submitter. Criteria: ACMG Guidelines, 2015. Collection method: clinical testing. Allele origin: germline.

Ambry Genetics
Classification: Likely benign for Hereditary cancer-predisposing syndrome. Last evaluated: 2018-07-09. Review status: criteria provided, single submitter. Criteria: Ambry Variant Classification Scheme 2023. Collection method: clinical testing. Allele origin: germline.

GeneDx
Classification: Likely benign. Last evaluated: 2016-04-14. Review status: criteria provided, single submitter. Criteria: GeneDx Variant Classification (06012015). Collection method: clinical testing. Allele origin: germline. Affected: yes.
Comment: This variant is considered likely benign or benign based on one or more of the following criteria: it is a conservative change, it occurs at a poorly conserved position in the protein, it is predicted to be benign by multiple in silico algorithms, and/or has population frequency not consistent with disease.

NM_000179.3(MSH6):c.969C>G (p.Thr323=)

Gene: MSH6 (mutS homolog 6; plus strand). Cytogenetic location: 2p16.3.
Variant type: single nucleotide variant.
Coding change: c.969C>G on transcript NM_000179.3 (MANE Select); coding-DNA position 969, C replaced by G.
Protein change: p.Thr323=; no amino-acid change (threonine 323 retained).
Molecular consequence: synonymous variant.
Genome position (GRCh38, 1-based): chr2:47,798,952, C>G. VCF-style: chr2-47798952-C-G. GRCh37 (hg19) VCF-style: chr2-48026091-C-G.
Other names: c.63C>G, p.Thr21= (NM_001281494.2, NM_001281493.2); c.579C>G, p.Thr193= (NM_001281492.2).
Identifiers: ClinVar variation 385547 (VCV000385547.16), dbSNP rs903038441, ClinGen allele CA16604179.